The following is an entry in ClinVar:

ClinVar aggregate classification (germline): Likely benign (1 of 4 stars; one submission).

Conditions:
SLC10A2-related disorder. Also called: SLC10A2-related condition.

Submission:

PreventionGenetics, part of Exact Sciences
Classification: Likely benign for SLC10A2-related condition. Last evaluated: 2025-03-14. Review status: criteria provided, single submitter. Criteria: ACMG Guidelines, 2015. Collection method: clinical testing. Allele origin: germline.
Comment: This variant is classified as likely benign based on ACMG/AMP sequence variant interpretation guidelines (Richards et al. 2015 PMID: 25741868, with internal and published modifications).

NM_000452.3(SLC10A2):c.723G>A (p.Gly241=)

Gene: SLC10A2 (solute carrier family 10 member 2; minus strand). Cytogenetic location: 13q33.1.
Variant type: single nucleotide variant.
Coding change: c.723G>A on transcript NM_000452.3 (MANE Select); coding-DNA position 723, G replaced by A.
Protein change: p.Gly241=; no amino-acid change (glycine 241 retained).
Molecular consequence: synonymous variant.
Genome position (GRCh38, 1-based): chr13:103,051,295, C>T on the plus strand (G>A on the coding strand, the complement: SLC10A2 is on the minus strand). VCF-style: chr13-103051295-C-T. GRCh37 (hg19) VCF-style: chr13-103703645-C-T.
Identifiers: ClinVar variation 5000618 (VCV005000618.1).
Genomic context (GRCh38, chr13:103,051,295, plus strand): 5'-TGTGATTTACTAAATGCCATACCTGTACCAGGGTAGACCAGCAATTCTAGCCAGAAGAAA[C>T]CCCAGGGAGTAACCCGCCACAGGAAATATTGTTCCTATAATCCACAGTTTGGGAGCAATG-3'
Protein context (NP_000443.2, residues 231-251): TIFPVAGYSL[Gly241=]FLLARIAGLP